The following is an entry in ClinVar:

NM_001363711.2(DUOX2):c.3231C>T (p.Leu1077=)

Gene: DUOX2 (dual oxidase 2; minus strand). Cytogenetic location: 15q21.1.
Variant type: single nucleotide variant.
Coding change: c.3231C>T on transcript NM_001363711.2 (MANE Select); coding-DNA position 3231, C replaced by T.
Protein change: p.Leu1077=; no amino-acid change (leucine 1077 retained).
Molecular consequence: synonymous variant.
Genome position (GRCh38, 1-based): chr15:45,099,846, G>A on the plus strand (C>T on the coding strand, the complement: DUOX2 is on the minus strand). VCF-style: chr15-45099846-G-A. GRCh37 (hg19) VCF-style: chr15-45392044-G-A.
Other names: c.3231C>T, p.Leu1077= (NM_014080.5).
Identifiers: ClinVar variation 1902684 (VCV001902684.6), dbSNP rs371677416, ClinGen allele CA7537955.

ClinVar aggregate classification (germline): Likely benign. Review status: criteria provided, multiple submitters, no conflicts (2 of 4 stars). 2 submissions from 2 submitters: Likely benign (2). Last evaluated 2026-09-01.

Allele frequency attached by ClinVar (database versions not stated): ExAC 0.00002; gnomAD exomes 0.00003; gnomAD 0.00004; TOPMed 0.00005; ESP Exome Variant Server 0.00008.

Submissions (2):

CeGaT Center for Human Genetics Tuebingen
Classification: Likely benign. Last evaluated: 2026-09-01. Review status: criteria provided, single submitter. Criteria: CeGaT Center For Human Genetics Tuebingen Variant Classification Criteria Version 2. Collection method: clinical testing. Allele origin: germline. Affected: yes. Observed: 1 variant allele.
Comment: DUOX2: BP4, BP7

Labcorp Genetics (formerly Invitae), Labcorp
Classification: Likely benign. Last evaluated: 2026-01-12. Review status: criteria provided, single submitter. Criteria: Invitae Variant Classification Sherloc (09022015). Collection method: clinical testing. Allele origin: germline.